The following is an entry in ClinVar:

NM_001377.3(DYNC2H1):c.8726C>T (p.Ala2909Val)

Gene: DYNC2H1 (dynein cytoplasmic 2 heavy chain 1; plus strand). Cytogenetic location: 11q22.3.
Variant type: single nucleotide variant.
Coding change: c.8726C>T on transcript NM_001377.3 (MANE Select); coding-DNA position 8726, C replaced by T.
Protein change: p.Ala2909Val; replaces alanine 2909 with valine.
Molecular consequence: missense variant.
Genome position (GRCh38, 1-based): chr11:103,215,752, C>T. VCF-style: chr11-103215752-C-T. GRCh37 (hg19) VCF-style: chr11-103086481-C-T.
Other names: c.8726C>T, p.Ala2909Val (NM_001080463.2); c.8726C>T (NM_001080463.1); short protein forms A2909V.
Identifiers: ClinVar variation 2161474 (VCV002161474.4), dbSNP rs554943649, ClinGen allele CA6254522.

ClinVar aggregate classification (germline): Uncertain significance. Review status: criteria provided, multiple submitters, no conflicts (2 of 4 stars). 2 submissions from 2 submitters: Uncertain significance (2). Last evaluated 2025-12-09.

Conditions:
Jeune thoracic dystrophy. Also called: Jeune syndrome; Infantile thoracic dystrophy; Thoracic pelvic phalangeal dystrophy; Jeune's syndrome; Chondroectodermal dysplasia-like syndrome; Short-rib thoracic dysplasia. Identifiers: Orphanet 474, MedGen C0265275, MONDO:0018770.
Inborn genetic diseases. Identifiers: MedGen C0950123, MeSH D030342.

Allele frequency attached by ClinVar (database versions not stated): gnomAD 0.00001; ExAC 0.00002; TOPMed 0.00002; 1000 Genomes Project 30x 0.00016; 1000 Genomes Project 0.00020.

Submissions (2):

Ambry Genetics
Classification: Uncertain significance for Inborn genetic diseases. Last evaluated: 2025-12-09. Review status: criteria provided, single submitter. Criteria: Ambry Variant Classification Scheme 2023. Collection method: clinical testing. Allele origin: germline.

Labcorp Genetics (formerly Invitae), Labcorp
Classification: Uncertain significance for Jeune thoracic dystrophy. Last evaluated: 2024-10-15. Review status: criteria provided, single submitter. Criteria: Invitae Variant Classification Sherloc (09022015). Collection method: clinical testing. Allele origin: germline.
Comment: This sequence change replaces alanine, which is neutral and non-polar, with valine, which is neutral and non-polar, at codon 2909 of the DYNC2H1 protein (p.Ala2909Val). This variant is present in population databases (rs554943649, gnomAD 0.04%). This variant has not been reported in the literature in individuals affected with DYNC2H1-related conditions. ClinVar contains an entry for this variant (Variation ID: 2161474). Invitae Evidence Modeling of protein sequence and biophysical properties (such as structural, functional, and spatial information, amino acid conservation, physicochemical variation, residue mobility, and thermodynamic stability) has been performed for this missense variant. However, the output from this modeling did not meet the statistical confidence thresholds required to predict the impact of this variant on DYNC2H1 protein function. In summary, the available evidence is currently insufficient to determine the role of this variant in disease. Therefore, it has been classified as a Variant of Uncertain Significance.